The following is an entry in ClinVar:

NM_002495.4(NDUFS4):c.187A>G (p.Thr63Ala)

Gene: NDUFS4 (NADH:ubiquinone oxidoreductase subunit S4; plus strand). Cytogenetic location: 5q11.2.
Variant type: single nucleotide variant.
Coding change: c.187A>G on transcript NM_002495.4 (MANE Select); coding-DNA position 187, A replaced by G.
Protein change: p.Thr63Ala; replaces threonine 63 with alanine.
Molecular consequence: missense variant. On other transcripts: non-coding transcript variant (3).
Genome position (GRCh38, 1-based): chr5:53,646,242, A>G. VCF-style: chr5-53646242-A-G. GRCh37 (hg19) VCF-style: chr5-52942072-A-G.
Other names: c.187A>G, p.Thr63Ala (NM_001318051.2); short protein forms T63A.
Identifiers: ClinVar variation 4625956 (VCV004625956.2).
Genomic context (GRCh38, chr5:53,646,242, plus strand): 5'-GTGTGTATGTAGGCTGTTTGAAACGTGTTTTTTTTTCTTGTTTTTCTGTAGGATATCACT[A>G]CTTTAACTGGAGTTCCAGAAGAGCATATAAAAACTAGAAAAGTCAGGATCTTTGTTCCTG-3'
Protein context (NP_002486.1, residues 53-73): ITVDEKLDIT[Thr63Ala]LTGVPEEHIK

ClinVar aggregate classification (germline): Uncertain significance. Review status: criteria provided, multiple submitters, no conflicts (2 of 4 stars). 2 submissions from 2 submitters: Uncertain significance (2). Last evaluated 2025-10-23.

Conditions:
Inborn genetic diseases. Identifiers: MedGen C0950123, MeSH D030342.

gnomAD v4.1: 14 of 1,609,418 alleles (0.00087%); highest among the groups gnomAD compares: African/African-American, 0.0067%; no homozygotes.

Submissions (2):

Ambry Genetics
Classification: Uncertain significance for Inborn genetic diseases. Last evaluated: 2025-10-23. Review status: criteria provided, single submitter. Criteria: Ambry Variant Classification Scheme 2023. Collection method: clinical testing. Allele origin: germline.

Labcorp Genetics (formerly Invitae), Labcorp
Classification: Uncertain significance. Last evaluated: 2025-09-09. Review status: criteria provided, single submitter. Criteria: Invitae Variant Classification Sherloc (09022015). Collection method: clinical testing. Allele origin: germline.
Comment: This sequence change replaces threonine, which is neutral and polar, with alanine, which is neutral and non-polar, at codon 63 of the NDUFS4 protein (p.Thr63Ala). The frequency data for this variant in the population databases is considered unreliable, as metrics indicate poor data quality at this position in the gnomAD database. This variant has not been reported in the literature in individuals affected with NDUFS4-related conditions. An algorithm developed to predict the effect of missense changes on protein structure and function outputs the following: PolyPhen-2: "Benign". The alanine amino acid residue is found in multiple mammalian species, which suggests that this missense change does not adversely affect protein function. In summary, the available evidence is currently insufficient to determine the role of this variant in disease. Therefore, it has been classified as a Variant of Uncertain Significance.